The following is an entry in ClinVar:

ClinVar aggregate classification (germline): Uncertain significance. Review status: criteria provided, multiple submitters, no conflicts (2 of 4 stars). 2 submissions from 2 submitters: Uncertain significance (2). Last evaluated 2024-12-03.

Conditions:
MAGEL2-related disorder. Also called: MAGEL2-related condition.

Submissions (2):

PreventionGenetics, part of Exact Sciences
Classification: Uncertain significance for MAGEL2-related condition. Last evaluated: 2024-12-03. Review status: criteria provided, single submitter. Criteria: ACMG Guidelines, 2015. Collection method: clinical testing. Allele origin: germline.
Comment: The MAGEL2 c.1730C>T variant is predicted to result in the amino acid substitution p.Pro577Leu. To our knowledge, this variant has not been reported in the literature or in a large population database (gnomAD), indicating this variant is rare. At this time, the clinical significance of this variant is uncertain due to the absence of conclusive functional and genetic evidence.

Labcorp Genetics (formerly Invitae), Labcorp
Classification: Uncertain significance. Last evaluated: 2024-06-12. Review status: criteria provided, single submitter. Criteria: Invitae Variant Classification Sherloc (09022015). Collection method: clinical testing. Allele origin: germline.
Comment: This sequence change replaces proline, which is neutral and non-polar, with leucine, which is neutral and non-polar, at codon 577 of the MAGEL2 protein (p.Pro577Leu). This variant is not present in population databases (gnomAD no frequency). This variant has not been reported in the literature in individuals affected with MAGEL2-related conditions. Advanced modeling of protein sequence and biophysical properties (such as structural, functional, and spatial information, amino acid conservation, physicochemical variation, residue mobility, and thermodynamic stability) has been performed at Invitae for this missense variant, however the output from this modeling did not meet the statistical confidence thresholds required to predict the impact of this variant on MAGEL2 protein function. In summary, the available evidence is currently insufficient to determine the role of this variant in disease. Therefore, it has been classified as a Variant of Uncertain Significance.

NM_019066.5(MAGEL2):c.1730C>T (p.Pro577Leu)

Gene: MAGEL2 (MAGE family member L2; minus strand). Cytogenetic location: 15q11.2.
Variant type: single nucleotide variant.
Coding change: c.1730C>T on transcript NM_019066.5 (MANE Select); coding-DNA position 1730, C replaced by T.
Protein change: p.Pro577Leu; replaces proline 577 with leucine.
Molecular consequence: missense variant.
Genome position (GRCh38, 1-based): chr15:23,646,013, G>A on the plus strand (C>T on the coding strand, the complement: MAGEL2 is on the minus strand). VCF-style: chr15-23646013-G-A. GRCh37 (hg19) VCF-style: chr15-23891160-G-A.
Other names: c.1730C>T (NM_019066.4); short protein forms P577L.
Identifiers: ClinVar variation 2997452 (VCV002997452.4), dbSNP rs1280633170, ClinGen allele CA391333452.
Genomic context (GRCh38, chr15:23,646,013, plus strand): 5'-GGCACCGGGGGCTGACCTTTGGGGGCCTGCCAGATGATGGAAGGGCAGTGCACAGCCTGC[G>A]GGGCAGACAGTGGGGCAGACAGCGGGGCCGGCAGCACAGGCTGGGGCACCTGCGGGCCAG-3'
Protein context (NP_061939.3, residues 567-587): PAPLSAPLSA[Pro577Leu]QAVHCPSIIW